The following is an entry in ClinVar:

ClinVar aggregate classification (germline): Benign. Review status: criteria provided, multiple submitters, no conflicts (2 of 4 stars). 2 submissions from 2 submitters: Benign (2). Last evaluated 2018-01-13.

Conditions:
Isovaleryl-CoA dehydrogenase deficiency (IVA). Also called: ISOVALERIC ACID CoA DEHYDROGENASE DEFICIENCY; IVD DEFICIENCY; Isovaleric acidemia; Classic Isovaleric Acidemia. Identifiers: Orphanet 33, MedGen C0268575, MONDO:0009475, OMIM 243500.

Allele frequency attached by ClinVar (database versions not stated): TOPMed 0.57928; gnomAD 0.59170 and 0.60142; 1000 Genomes Project 30x 0.59838; 1000 Genomes Project 0.61122; gnomAD exomes 0.64719.
gnomAD v4.1: 632,171 of 987,356 alleles (64%); highest among the groups gnomAD compares: East Asian, 81%; 204,859 homozygotes.

Submissions (2):

Illumina Laboratory Services, Illumina
Classification: Benign for Isovaleryl-CoA dehydrogenase deficiency. Last evaluated: 2018-01-13. Review status: criteria provided, single submitter. Criteria: ICSL Variant Classification Criteria 13 December 2019. Collection method: clinical testing. Allele origin: germline.
Comment: This variant was observed in the ICSL laboratory as part of a predisposition screen in an ostensibly healthy population. It had not been previously curated by ICSL or reported in the Human Gene Mutation Database (HGMD: prior to June 1st, 2018), and was therefore a candidate for classification through an automated scoring system. Utilizing variant allele frequency, disease prevalence and penetrance estimates, and inheritance mode, an automated score was calculated to assess if this variant is too frequent to cause the disease. Based on the score and internal cut-off values, a variant classified as benign is not then subjected to further curation. The score for this variant resulted in a classification of benign for this disease.

Breakthrough Genomics
Classification: Benign. Review status: criteria provided, single submitter. Criteria: ACMG Guidelines, 2015. Collection method: not provided. Allele origin: germline. Inheritance: Autosomal recessive inheritance. Affected: yes.

NM_002225.5(IVD):c.*2275T>C

Gene: IVD (isovaleryl-CoA dehydrogenase; plus strand). Cytogenetic location: 15q15.1.
Variant type: single nucleotide variant.
Coding change: c.*2275T>C on transcript NM_002225.5 (MANE Select); 2275 bases downstream of the stop codon, T replaced by C.
Molecular consequence: 3 prime UTR variant. On other transcripts: intron variant (3).
Genome position (GRCh38, 1-based): chr15:40,420,538, T>C. VCF-style: chr15-40420538-T-C. GRCh37 (hg19) VCF-style: chr15-40712737-T-C.
Other names: c.*2275T>C (NM_001159508.3, NM_001354597.3, NM_001354599.3); c.1226-3597T>C (NM_001354600.3); c.1139-3597T>C (NM_001354598.3); c.1138+4176T>C (NM_001354601.3).
Identifiers: ClinVar variation 315828 (VCV000315828.6), dbSNP rs11790, ClinGen allele CA10641739.